The following is an entry in ClinVar:

ClinVar aggregate classification (germline): Uncertain significance (1 of 4 stars; one submission).

Submission:

Labcorp Genetics (formerly Invitae), Labcorp
Classification: Uncertain significance. Last evaluated: 2023-11-27. Review status: criteria provided, single submitter. Criteria: Invitae Variant Classification Sherloc (09022015). Collection method: clinical testing. Allele origin: germline.
Comment: This sequence change replaces aspartic acid, which is acidic and polar, with alanine, which is neutral and non-polar, at codon 1795 of the ITPR1 protein (p.Asp1795Ala). This variant is not present in population databases (gnomAD no frequency). This variant has not been reported in the literature in individuals affected with ITPR1-related conditions. Advanced modeling of protein sequence and biophysical properties (such as structural, functional, and spatial information, amino acid conservation, physicochemical variation, residue mobility, and thermodynamic stability) performed at Invitae indicates that this missense variant is not expected to disrupt ITPR1 protein function with a negative predictive value of 95%. In summary, the available evidence is currently insufficient to determine the role of this variant in disease. Therefore, it has been classified as a Variant of Uncertain Significance.

NM_001378452.1(ITPR1):c.5573A>C (p.Asp1858Ala)

Gene: ITPR1 (inositol 1,4,5-trisphosphate receptor type 1; plus strand). Cytogenetic location: 3p26.1.
Variant type: single nucleotide variant.
Coding change: c.5573A>C on transcript NM_001378452.1 (MANE Select); coding-DNA position 5573, A replaced by C.
Protein change: p.Asp1858Ala; replaces aspartic acid 1858 with alanine.
Molecular consequence: missense variant.
Genome position (GRCh38, 1-based): chr3:4,766,558, A>C. VCF-style: chr3-4766558-A-C. GRCh37 (hg19) VCF-style: chr3-4808242-A-C.
Other names: c.5429A>C, p.Asp1810Ala (NM_001099952.4); c.5528A>C, p.Asp1843Ala (NM_001168272.2); c.5384A>C, p.Asp1795Ala (NM_002222.7); short protein forms D1810A, D1858A, D1795A, D1843A.
Identifiers: ClinVar variation 2879896 (VCV002879896.3), dbSNP rs2470038168, ClinGen allele CA351633329.
Genomic context (GRCh38, chr3:4,766,558, plus strand): 5'-AGTGTTCACAATCTATGGATTTTCCTTTGCAGCACTCCTTTTTCTGTCGCTTGACAGAAG[A>C]TAAGAAGTCAGAGAAATTCTTTAAGGTGTTTTATGACCGGATGAAGGTGGCCCAGCAAGA-3'
Protein context (NP_001365381.1, residues 1848-1868): QHSFFCRLTE[Asp1858Ala]KKSEKFFKVF